The following is an entry in ClinVar:

NM_032608.7(MYO18B):c.4767C>T (p.Cys1589=)

Genes: MYO18B-AS1 (MYO18B antisense RNA 1; minus strand), MYO18B (myosin XVIIIB; plus strand). Cytogenetic location: 22q12.1.
Variant type: single nucleotide variant.
Coding change: c.4767C>T on transcript NM_032608.7 (MANE Select); coding-DNA position 4767, C replaced by T.
Protein change: p.Cys1589=; no amino-acid change (cysteine 1589 retained).
Molecular consequence: synonymous variant.
Genome position (GRCh38, 1-based): chr22:25,898,405, C>T. VCF-style: chr22-25898405-C-T. GRCh37 (hg19) VCF-style: chr22-26294372-C-T.
Other names: c.4770C>T, p.Cys1590= (NM_001318245.2).
Identifiers: ClinVar variation 1585864 (VCV001585864.9), dbSNP rs370121060, ClinGen allele CA10160976.

ClinVar aggregate classification (germline): Likely benign. Review status: criteria provided, multiple submitters, no conflicts (2 of 4 stars). 2 submissions from 2 submitters: Likely benign (2). Last evaluated 2026-07-01.

Allele frequency attached by ClinVar (database versions not stated): ExAC 0.00001; gnomAD exomes 0.00002 and 0.00007; ESP Exome Variant Server 0.00008.
gnomAD v4.1: 103 of 1,613,756 alleles (0.0064%); highest among the groups gnomAD compares: Non-Finnish European, 0.008%; no homozygotes.

Submissions (2):

CeGaT Center for Human Genetics Tuebingen
Classification: Likely benign. Last evaluated: 2026-07-01. Review status: criteria provided, single submitter. Criteria: CeGaT Center For Human Genetics Tuebingen Variant Classification Criteria Version 2. Collection method: clinical testing. Allele origin: germline. Affected: yes. Observed: 1 variant allele.
Comment: MYO18B: BP4, BP7

Labcorp Genetics (formerly Invitae), Labcorp
Classification: Likely benign. Last evaluated: 2025-10-11. Review status: criteria provided, single submitter. Criteria: Invitae Variant Classification Sherloc (09022015). Collection method: clinical testing. Allele origin: germline.